The following is an entry in ClinVar:

ClinVar aggregate classification (germline): Uncertain significance (1 of 4 stars; one submission).

Conditions:
Pyruvate dehydrogenase E3 deficiency (DLDD). Also called: Dihydrolipoamide Dehydrogenase (E3) Deficiency; DLD DEFICIENCY; E3 DEFICIENCY; Dihydrolipoamide Dehydrogenase E3 Deficiency; Dihydrolipoamide Dehydrogenase Deficiency; Lipoamide dehydrogenase deficiency, lactic acidosis due to. Identifiers: Orphanet 2394, Orphanet 765, MedGen C5574660, MONDO:0009529, OMIM 246900.

Allele frequency attached by ClinVar (database versions not stated): gnomAD exomes below 0.00001.
gnomAD v4.1: 2 of 1,612,890 alleles (0.00012%); highest among the groups gnomAD compares: Non-Finnish European, 0.000085%; no homozygotes.

Submission:

Labcorp Genetics (formerly Invitae), Labcorp
Classification: Uncertain significance for Pyruvate dehydrogenase E3 deficiency. Last evaluated: 2022-06-11. Review status: criteria provided, single submitter. Criteria: Invitae Variant Classification Sherloc (09022015). Collection method: clinical testing. Allele origin: germline.
Comment: This sequence change falls in intron 1 of the DLD gene. It does not directly change the encoded amino acid sequence of the DLD protein. This variant is not present in population databases (gnomAD no frequency). This variant has not been reported in the literature in individuals affected with DLD-related conditions. Algorithms developed to predict the effect of sequence changes on RNA splicing suggest that this variant is not likely to affect RNA splicing. In summary, the available evidence is currently insufficient to determine the role of this variant in disease. Therefore, it has been classified as a Variant of Uncertain Significance.

NM_000108.5(DLD):c.40-3T>C

Gene: DLD (dihydrolipoamide dehydrogenase; plus strand). Cytogenetic location: 7q31.1.
Variant type: single nucleotide variant.
Coding change: c.40-3T>C on transcript NM_000108.5 (MANE Select); 3 bases into the intron before coding-DNA position 40, T replaced by C.
Molecular consequence: intron variant.
Genome position (GRCh38, 1-based): chr7:107,893,197, T>C. VCF-style: chr7-107893197-T-C. GRCh37 (hg19) VCF-style: chr7-107533642-T-C.
Other names: c.40-3T>C (NM_001289752.1, NM_001289751.1); c.-109-3T>C (NM_001289750.1).
Identifiers: ClinVar variation 1399655 (VCV001399655.4), dbSNP rs2116162419, ClinGen allele CA2573141410.